The following is an entry in ClinVar:

NM_004360.5(CDH1):c.2205G>A (p.Ala735=)

Gene: CDH1 (cadherin 1; plus strand). Cytogenetic location: 16q22.1.
Variant type: single nucleotide variant.
Coding change: c.2205G>A on transcript NM_004360.5 (MANE Select); coding-DNA position 2205, G replaced by A.
Protein change: p.Ala735=; no amino-acid change (alanine 735 retained).
Molecular consequence: synonymous variant.
Genome position (GRCh38, 1-based): chr16:68,828,214, G>A. VCF-style: chr16-68828214-G-A. GRCh37 (hg19) VCF-style: chr16-68862117-G-A.
Other names: c.2022G>A, p.Ala674= (NM_001317184.2); c.657G>A, p.Ala219= (NM_001317185.2); c.240G>A, p.Ala80= (NM_001317186.2); c.2205G>A (LRG_301t1, NM_004360.4).
Identifiers: ClinVar variation 184043 (VCV000184043.28), dbSNP rs138493551, ClinGen allele CA187602.
Genomic context (GRCh38, chr16:68,828,214, plus strand): 5'-TGTCTCCCCCACCATCCCAGTTCTGATTCTGCTGCTCTTGCTGTTTCTTCGGAGGAGAGC[G>A]GTGGTCAAAGAGCCCTTACTGCCCCCAGAGGATGACACCCGGGACAACGTTTATTACTAT-3'
Protein context (NP_004351.1, residues 725-745): LLLLLFLRRR[Ala735=]VVKEPLLPPE

ClinVar aggregate classification (germline): Conflicting classifications of pathogenicity. Review status: criteria provided, conflicting classifications (1 of 4 stars). 11 submissions from 11 submitters: Uncertain significance (1); Benign (2); Likely benign (8). Last evaluated 2026-09-22.

Conditions:
CDH1-related disorder. Also called: CDH1-related condition.
Hereditary cancer-predisposing syndrome. Also called: Neoplastic Syndromes, Hereditary; Tumor predisposition; Hereditary neoplastic syndrome; Hereditary Cancer Syndrome. Identifiers: Orphanet 140162, MedGen C0027672, MeSH D009386, MONDO:0015356.
Breast and/or ovarian cancer. Identifiers: MedGen CN221562.
Hereditary diffuse gastric adenocarcinoma (HDGC). Also called: DIFFUSE GASTRIC AND LOBULAR BREAST CANCER SYNDROME. Identifiers: Orphanet 26106, MedGen C1708349, MONDO:0007648, OMIM 137215.

Allele frequency attached by ClinVar (database versions not stated): TOPMed 0.00004.
gnomAD v4.1: 70 of 1,613,854 alleles (0.0043%); highest among the groups gnomAD compares: East Asian, 0.02%; no homozygotes.

Submissions (11):

PreventionGenetics, part of Exact Sciences
Classification: Likely benign for CDH1-related condition. Last evaluated: 2026-09-22. Review status: criteria provided, single submitter. Criteria: ACMG Guidelines, 2015. Collection method: clinical testing. Allele origin: germline.
Comment: This variant is classified as likely benign based on ACMG/AMP sequence variant interpretation guidelines (Richards et al. 2015 PMID: 25741868, with internal and published modifications).

Labcorp Genetics (formerly Invitae), Labcorp
Classification: Likely benign for Hereditary diffuse gastric adenocarcinoma. Last evaluated: 2026-01-13. Review status: criteria provided, single submitter. Criteria: Invitae Variant Classification Sherloc (09022015). Collection method: clinical testing. Allele origin: germline.

Blueprint Genetics
Classification: Likely benign. Last evaluated: 2024-10-03. Review status: criteria provided, single submitter. Criteria: ACMG Guidelines, 2015. Collection method: clinical testing. Allele origin: germline.

Myriad Genetics, Inc.
Classification: Benign for Hereditary diffuse gastric adenocarcinoma. Last evaluated: 2024-09-20. Review status: criteria provided, single submitter. Criteria: Myriad Autosomal Dominant, Autosomal Recessive and X-Linked Classification Criteria (2023). Collection method: clinical testing. Allele origin: unknown.
Comment: This variant is considered benign. This variant is a silent/synonymous amino acid change and it is not expected to impact splicing.

Quest Diagnostics Nichols Institute San Juan Capistrano
Classification: Likely benign. Last evaluated: 2023-09-12. Review status: criteria provided, single submitter. Criteria: Quest Diagnostics criteria. Collection method: clinical testing. Allele origin: unknown.

European Reference Network on Genetic Tumour Risk Syndromes (ERN-GENTURIS), i3s - Instituto de Investigação e Inovação em Saúde, University of Porto
Classification: Uncertain significance for Hereditary diffuse gastric adenocarcinoma. Last evaluated: 2022-08-01. Review status: criteria provided, single submitter. Criteria: Lee et al. (Hum Mutat. 2018). Collection method: clinical testing. Allele origin: germline. Inheritance: Autosomal dominant inheritance. Affected: no. Study: ERN GENTURIS.
Comment: Not applicable criteria (PMID: 30311375)

Sema4
Classification: Likely benign for Hereditary cancer-predisposing syndrome. Last evaluated: 2021-08-26. Review status: criteria provided, single submitter. Criteria: Sema4 Curation Guidelines. Collection method: curation. Allele origin: germline.

CHEO Genetics Diagnostic Laboratory, Children's Hospital of Eastern Ontario
Classification: Likely benign for Breast and/or ovarian cancer. Last evaluated: 2020-03-23. Review status: criteria provided, single submitter. Criteria: ACMG Guidelines, 2015. Collection method: clinical testing. Allele origin: germline.

Color Diagnostics, LLC DBA Color Health
Classification: Likely benign for Hereditary cancer-predisposing syndrome. Last evaluated: 2017-03-29. Review status: criteria provided, single submitter. Criteria: ACMG Guidelines, 2015. Collection method: clinical testing. Allele origin: germline.

Ambry Genetics
Classification: Likely benign for Hereditary cancer-predisposing syndrome. Last evaluated: 2015-11-20. Review status: criteria provided, single submitter. Criteria: Ambry Variant Classification Scheme 2023. Collection method: clinical testing. Allele origin: germline.

GeneDx
Classification: Benign. Last evaluated: 2015-03-03. Review status: criteria provided, single submitter. Criteria: GeneDx Variant Classification Process June 2021. Collection method: clinical testing. Allele origin: germline. Affected: yes.

Literature cited by the submitters: PubMed 36436516 (cited by Quest Diagnostics Nichols Institute San Juan Capistrano and European Reference Network on Genetic Tumour Risk Syndromes (ERN-GENTURIS), i3s - Instituto de Investigação e Inovação em Saúde, University of Porto); PubMed 30287823 (cited by Quest Diagnostics Nichols Institute San Juan Capistrano).